The following is an entry in ClinVar:

NM_030943.4(AMN):c.43G>T (p.Ala15Ser)

Gene: AMN (amnion associated transmembrane protein; plus strand). Cytogenetic location: 14q32.32.
Variant type: single nucleotide variant.
Coding change: c.43G>T on transcript NM_030943.4 (MANE Select); coding-DNA position 43, G replaced by T.
Protein change: p.Ala15Ser; replaces alanine 15 with serine.
Molecular consequence: missense variant.
Genome position (GRCh38, 1-based): chr14:102,922,731, G>T. VCF-style: chr14-102922731-G-T. GRCh37 (hg19) VCF-style: chr14-103389068-G-T.
Other names: short protein forms A15S.
Identifiers: ClinVar variation 2129396 (VCV002129396.4), dbSNP rs1443968292, ClinGen allele CA391078988.

ClinVar aggregate classification (germline): Uncertain significance (1 of 4 stars; one submission).

Conditions:
Imerslund-Grasbeck syndrome. Also called: PERNICIOUS ANEMIA, JUVENILE, DUE TO SELECTIVE INTESTINAL MALABSORPTION OF VITAMIN B12, WITH PROTEINURIA; ENTEROCYTE COBALAMIN MALABSORPTION; ENTEROCYTE INTRINSIC FACTOR RECEPTOR, DEFECT OF; Imerslund-Gräsbeck syndrome; Megaloblastic anemia due to inborn errors of metabolism. Identifiers: Orphanet 35858, MedGen C4551825, MONDO:0009853.

Submission:

Labcorp Genetics (formerly Invitae), Labcorp
Classification: Uncertain significance for Imerslund-Grasbeck syndrome. Last evaluated: 2025-06-12. Review status: criteria provided, single submitter. Criteria: Invitae Variant Classification Sherloc (09022015). Collection method: clinical testing. Allele origin: germline.
Comment: This sequence change replaces alanine, which is neutral and non-polar, with serine, which is neutral and polar, at codon 15 of the AMN protein (p.Ala15Ser). This variant also falls at the last nucleotide of exon 1, which is part of the consensus splice site for this exon. This variant is not present in population databases (gnomAD no frequency). This variant has not been reported in the literature in individuals affected with AMN-related conditions. ClinVar contains an entry for this variant (Variation ID: 2129396). An algorithm developed to predict the effect of missense changes on protein structure and function (PolyPhen-2) suggests that this variant is likely to be disruptive. Variants that disrupt the consensus splice site are a relatively common cause of aberrant splicing (PMID: 17576681, 9536098). In summary, the available evidence is currently insufficient to determine the role of this variant in disease. Therefore, it has been classified as a Variant of Uncertain Significance.

Literature cited by the submitters: PubMed 17576681; PubMed 9536098.